The following is an entry in ClinVar:

ClinVar aggregate classification (germline): Uncertain significance (1 of 4 stars; one submission).

Allele frequency attached by ClinVar (database versions not stated): gnomAD 0.00001; gnomAD exomes 0.00001; TOPMed 0.00001.
gnomAD v4.1: 5 of 1,613,140 alleles (0.00031%); highest among the groups gnomAD compares: South Asian, 0.0022%; no homozygotes.

Submission:

Labcorp Genetics (formerly Invitae), Labcorp
Classification: Uncertain significance. Last evaluated: 2024-10-29. Review status: criteria provided, single submitter. Criteria: Invitae Variant Classification Sherloc (09022015). Collection method: clinical testing. Allele origin: germline.
Comment: This sequence change replaces histidine, which is basic and polar, with tyrosine, which is neutral and polar, at codon 171 of the MYO18B protein (p.His171Tyr). This variant is present in population databases (no rsID available, gnomAD 0.003%). This variant has not been reported in the literature in individuals affected with MYO18B-related conditions. ClinVar contains an entry for this variant (Variation ID: 2162712). An algorithm developed to predict the effect of missense changes on protein structure and function (PolyPhen-2) suggests that this variant is likely to be tolerated. In summary, the available evidence is currently insufficient to determine the role of this variant in disease. Therefore, it has been classified as a Variant of Uncertain Significance.

NM_032608.7(MYO18B):c.511C>T (p.His171Tyr)

Gene: MYO18B (myosin XVIIIB; plus strand). Cytogenetic location: 22q12.1.
Variant type: single nucleotide variant.
Coding change: c.511C>T on transcript NM_032608.7 (MANE Select); coding-DNA position 511, C replaced by T.
Protein change: p.His171Tyr; replaces histidine 171 with tyrosine.
Molecular consequence: missense variant.
Genome position (GRCh38, 1-based): chr22:25,768,427, C>T. VCF-style: chr22-25768427-C-T. GRCh37 (hg19) VCF-style: chr22-26164394-C-T.
Other names: c.511C>T, p.His171Tyr (NM_001318245.2); short protein forms H171Y.
Identifiers: ClinVar variation 2162712 (VCV002162712.4), dbSNP rs1357679931, ClinGen allele CA411001994.